The following is an entry in ClinVar:

NM_004727.3(SLC24A1):c.1312_1315del (p.Gly438fs)

Gene: SLC24A1 (solute carrier family 24 member 1; plus strand). Cytogenetic location: 15q22.31.
Variant type: Deletion.
Coding change: c.1312_1315del on transcript NM_004727.3 (MANE Select); coding-DNA positions 1312 to 1315, 4 bases deleted (GGAG; older notation c.1312_1315delGGAG).
Protein change: p.Gly438fs; shifts the reading frame from glycine 438.
Molecular consequence: frameshift variant.
Genome position (GRCh38, 1-based): chr15:65,625,392-65,625,395, GGAG deleted; deleting any 4 consecutive bases within chr15:65,625,390-65,625,395 gives the same sequence; the c. name uses the placement nearest the transcript's 3' end. VCF-style (leftmost placement, unchanged base first): chr15-65625389-AAGGG-A. GRCh37 (hg19) VCF-style: chr15-65917727-AAGGG-A.
Other names: c.1312_1315del, p.Gly438fs (NM_001301031.1, NM_001301032.1, NM_001301033.2 and 1 more transcripts); short protein forms G438fs.
Identifiers: ClinVar variation 5019504 (VCV005019504.2).

ClinVar aggregate classification (germline): Likely pathogenic (1 of 4 stars; one submission).

Conditions:
Congenital stationary night blindness 1D. Also called: Night blindness, congenital stationary (complete), 1D, autosomal recessive. Identifiers: Orphanet 215, MedGen C3151193, MONDO:0013450, OMIM 613830.

Submission:

Juno Genomics, Hangzhou Juno Genomics, Inc
Classification: Likely pathogenic for Congenital stationary night blindness 1D. Review status: criteria provided, single submitter. Criteria: ACMG Guidelines, 2015. Collection method: clinical testing. Allele origin: germline.
Comment: Absent from controls (or at extremely low frequency if recessive) in Genome Aggregation Database.;Null variant in a gene where loss of function (LOF) is a known mechanism of disease.